The following is an entry in ClinVar:

ClinVar aggregate classification (germline): Uncertain significance (1 of 4 stars; one submission).

Conditions:
Hereditary diffuse gastric adenocarcinoma (HDGC). Also called: DIFFUSE GASTRIC AND LOBULAR BREAST CANCER SYNDROME. Identifiers: Orphanet 26106, MedGen C1708349, MONDO:0007648, OMIM 137215.

Submission:

Labcorp Genetics (formerly Invitae), Labcorp
Classification: Uncertain significance for Hereditary diffuse gastric adenocarcinoma. Last evaluated: 2023-12-31. Review status: criteria provided, single submitter. Criteria: Invitae Variant Classification Sherloc (09022015). Collection method: clinical testing. Allele origin: germline.
Comment: This sequence change replaces lysine, which is basic and polar, with glutamic acid, which is acidic and polar, at codon 184 of the CDH1 protein (p.Lys184Glu). This variant is not present in population databases (gnomAD no frequency). This variant has not been reported in the literature in individuals affected with CDH1-related conditions. An algorithm developed to predict the effect of missense changes on protein structure and function (PolyPhen-2) suggests that this variant is likely to be disruptive. In summary, the available evidence is currently insufficient to determine the role of this variant in disease. Therefore, it has been classified as a Variant of Uncertain Significance.

NM_004360.5(CDH1):c.550A>G (p.Lys184Glu)

Gene: CDH1 (cadherin 1; plus strand). Cytogenetic location: 16q22.1.
Variant type: single nucleotide variant.
Coding change: c.550A>G on transcript NM_004360.5 (MANE Select); coding-DNA position 550, A replaced by G.
Protein change: p.Lys184Glu; replaces lysine 184 with glutamic acid.
Molecular consequence: missense variant. On other transcripts: 5 prime UTR variant (2).
Genome position (GRCh38, 1-based): chr16:68,808,711, A>G. VCF-style: chr16-68808711-A-G. GRCh37 (hg19) VCF-style: chr16-68842614-A-G.
Other names: c.550A>G, p.Lys184Glu (NM_001317184.2); c.-1066A>G (NM_001317185.2); c.-1270A>G (NM_001317186.2); short protein forms K184E.
Identifiers: ClinVar variation 2706756 (VCV002706756.3), dbSNP rs2152130071, ClinGen allele CA396457879.